The following is an entry in ClinVar:

NM_144643.4(SCLT1):c.1908+1G>T

Gene: SCLT1 (sodium channel and clathrin linker 1; minus strand). Cytogenetic location: 4q28.2.
Variant type: single nucleotide variant.
Coding change: c.1908+1G>T on transcript NM_144643.4 (MANE Select); the canonical splice donor site of the intron after coding-DNA position 1908, G replaced by T.
Molecular consequence: splice donor variant.
Genome position (GRCh38, 1-based): chr4:128,891,058, C>A on the plus strand (G>T on the coding strand, the complement: SCLT1 is on the minus strand). VCF-style: chr4-128891058-C-A. GRCh37 (hg19) VCF-style: chr4-129812213-C-A.
Identifiers: ClinVar variation 3633541 (VCV003633541.2).
Genomic context (GRCh38, chr4:128,891,058, plus strand): 5'-TTCTATAACATGTGTATCATGCTGCAGCAGAAAGCACTTCCCAGGGGAGTCATTATCTCA[C>A]CTCAGCTACCTTTTCATTTGCCATTTCCAGCTGAGAAAGCAGCTCTTGGGTATGAAGTTT-3'

ClinVar aggregate classification (germline): Likely pathogenic (1 of 4 stars; one submission).

Submission:

Labcorp Genetics (formerly Invitae), Labcorp
Classification: Likely pathogenic. Last evaluated: 2024-06-25. Review status: criteria provided, single submitter. Criteria: Invitae Variant Classification Sherloc (09022015). Collection method: clinical testing. Allele origin: germline.
Comment: This sequence change affects a donor splice site in intron 19 of the SCLT1 gene. It is expected to disrupt RNA splicing. Variants that disrupt the donor or acceptor splice site typically lead to a loss of protein function (PMID: 16199547), and loss-of-function variants in SCLT1 are known to be pathogenic (PMID: 28005958). This variant is not present in population databases (gnomAD no frequency). This variant has not been reported in the literature in individuals affected with SCLT1-related conditions. Algorithms developed to predict the effect of sequence changes on RNA splicing suggest that this variant may disrupt the consensus splice site. In summary, the currently available evidence indicates that the variant is pathogenic, but additional data are needed to prove that conclusively. Therefore, this variant has been classified as Likely Pathogenic.

Literature cited by the submitters: PubMed 16199547; PubMed 28005958.